The following is an entry in ClinVar:

NM_015192.4(PLCB1):c.664C>T (p.Arg222Ter)

Gene: PLCB1 (phospholipase C beta 1; plus strand). Cytogenetic location: 20p12.3.
Variant type: single nucleotide variant.
Coding change: c.664C>T on transcript NM_015192.4 (MANE Select); coding-DNA position 664, C replaced by T.
Protein change: p.Arg222Ter; replaces arginine 222 with a stop codon.
Molecular consequence: nonsense.
Genome position (GRCh38, 1-based): chr20:8,657,253, C>T. VCF-style: chr20-8657253-C-T. GRCh37 (hg19) VCF-style: chr20-8637900-C-T.
Other names: c.664C>T, p.Arg222Ter (NM_182734.3); short protein forms R222*.
Identifiers: ClinVar variation 813910 (VCV000813910.8), dbSNP rs990536521, ClinGen allele CA311675932.

ClinVar aggregate classification (germline): Pathogenic/Likely pathogenic. Review status: criteria provided, multiple submitters, no conflicts (2 of 4 stars). 2 submissions from 2 submitters: Pathogenic (1); Likely pathogenic (1). Last evaluated 2021-09-10.

Conditions:
Developmental and epileptic encephalopathy, 12 (DEE12). Identifiers: MedGen C3150988, MONDO:0013389, OMIM 613722.

Allele frequency attached by ClinVar (database versions not stated): TOPMed 0.00001.
gnomAD v4.1: 1 of 1,606,256 alleles (0.000062%); highest among the groups gnomAD compares: African/African-American, 0.0013%; no homozygotes.

Submissions (2):

Labcorp Genetics (formerly Invitae), Labcorp
Classification: Pathogenic for Developmental and epileptic encephalopathy, 12. Last evaluated: 2021-09-10. Review status: criteria provided, single submitter. Criteria: Invitae Variant Classification Sherloc (09022015). Collection method: clinical testing. Allele origin: germline.
Comment: This sequence change creates a premature translational stop signal (p.Arg222*) in the PLCB1 gene. It is expected to result in an absent or disrupted protein product. Loss-of-function variants in PLCB1 are known to be pathogenic (PMID: 24684524). This variant is not present in population databases (ExAC no frequency). This premature translational stop signal has been observed in individual(s) with PLCB1-related encephalopathy (PMID: 31883110). ClinVar contains an entry for this variant (Variation ID: 813910). For these reasons, this variant has been classified as Pathogenic.

Broad Center for Mendelian Genomics, Broad Institute of MIT and Harvard
Classification: Likely pathogenic for Developmental and epileptic encephalopathy, 12. Last evaluated: 2018-12-03. Review status: criteria provided, single submitter. Criteria: ACMG Guidelines, 2015. Collection method: research. Allele origin: germline. Inheritance: Autosomal recessive inheritance. Affected: yes.
Comment: The p.Arg222Ter variant in PLCB1 has not been previously reported in individuals with early infantile epileptic encephalopathy but was absent from large population studies. This nonsense variant leads to a premature termination codon at position 222 in Exon 8, which is predicted to lead to a truncated or absent protein. A knock-out mouse model for the PLCB gene has a phenotype that matches early infantile epileptic encephalopathy and at least two loss of function variants across multiple exons, including a deletion that affects Exons 7-9, have been reported in association with early infantile epileptic encephalopathy in the literature (PMID: 9305844, 26818157). Loss of function of the PLCB1 gene is a moderately established disease mechanism in autosomal recessive early infantile epileptic encephalopathy. In summary, although additional studies are required to fully establish its clinical significance, this variant is likely pathogenic. ACMG/AMP Criteria applied: PM2, PVS1_Strong (Richards 2015).

Literature cited by the submitters: PubMed 24684524 (cited by Labcorp Genetics (formerly Invitae), Labcorp); PubMed 31883110 (cited by Labcorp Genetics (formerly Invitae), Labcorp); PubMed 9305844 (cited by Broad Center for Mendelian Genomics, Broad Institute of MIT and Harvard); PubMed 26818157 (cited by Broad Center for Mendelian Genomics, Broad Institute of MIT and Harvard).